The following is an entry in ClinVar:

NM_015965.7(NDUFA13):c.132C>T (p.Ile44=)

Genes: NDUFA13 (NADH:ubiquinone oxidoreductase subunit A13; plus strand), LOC125371495 (Sharpr-MPRA regulatory region 9511; plus strand). Cytogenetic location: 19p13.11.
Variant type: single nucleotide variant.
Coding change: c.132C>T on transcript NM_015965.7 (MANE Select); coding-DNA position 132, C replaced by T.
Protein change: p.Ile44=; no amino-acid change (isoleucine 44 retained).
Molecular consequence: synonymous variant.
Genome position (GRCh38, 1-based): chr19:19,526,219, C>T. VCF-style: chr19-19526219-C-T. GRCh37 (hg19) VCF-style: chr19-19637028-C-T.
Identifiers: ClinVar variation 4085170 (VCV004085170.8).

ClinVar aggregate classification (germline): Likely benign (1 of 4 stars; one submission).

gnomAD v4.1: 1 of 1,614,164 alleles (0.000062%); highest among the groups gnomAD compares: Non-Finnish European, 0.000085%; no homozygotes.

Submission:

CeGaT Center for Human Genetics Tuebingen
Classification: Likely benign. Last evaluated: 2025-06-01. Review status: criteria provided, single submitter. Criteria: CeGaT Center For Human Genetics Tuebingen Variant Classification Criteria Version 2. Collection method: clinical testing. Allele origin: germline. Affected: yes. Observed: 1 variant allele.
Comment: NDUFA13: BP4, BP7